The following is an entry in ClinVar:

ClinVar aggregate classification (germline): Uncertain significance (1 of 4 stars; one submission).

Conditions:
Familial hemophagocytic lymphohistiocytosis 4 (FHL4). Also called: STX11-Related Familial Hemophagocytic Lymphohistiocytosis (STX11-fHLH). Identifiers: Orphanet 540, MedGen C1863728, MONDO:0011336, OMIM 603552.

Allele frequency attached by ClinVar (database versions not stated): gnomAD 0.00001; gnomAD exomes 0.00002.
gnomAD v4.1: 16 of 1,613,574 alleles (0.00099%); highest among the groups gnomAD compares: Non-Finnish European, 0.0013%; no homozygotes.

Submission:

Labcorp Genetics (formerly Invitae), Labcorp
Classification: Uncertain significance for Familial hemophagocytic lymphohistiocytosis 4. Last evaluated: 2022-07-06. Review status: criteria provided, single submitter. Criteria: Invitae Variant Classification Sherloc (09022015). Collection method: clinical testing. Allele origin: germline.
Comment: This sequence change replaces arginine, which is basic and polar, with histidine, which is basic and polar, at codon 154 of the STX11 protein (p.Arg154His). This variant is not present in population databases (gnomAD no frequency). This variant has not been reported in the literature in individuals affected with STX11-related conditions. ClinVar contains an entry for this variant (Variation ID: 1366176). Algorithms developed to predict the effect of missense changes on protein structure and function are either unavailable or do not agree on the potential impact of this missense change (SIFT: "Deleterious"; PolyPhen-2: "Probably Damaging"; Align-GVGD: "Class C0"). In summary, the available evidence is currently insufficient to determine the role of this variant in disease. Therefore, it has been classified as a Variant of Uncertain Significance.

NM_003764.4(STX11):c.461G>A (p.Arg154His)

Gene: STX11 (syntaxin 11; plus strand). Cytogenetic location: 6q24.2.
Variant type: single nucleotide variant.
Coding change: c.461G>A on transcript NM_003764.4 (MANE Select); coding-DNA position 461, G replaced by A.
Protein change: p.Arg154His; replaces arginine 154 with histidine.
Molecular consequence: missense variant.
Genome position (GRCh38, 1-based): chr6:144,187,088, G>A. VCF-style: chr6-144187088-G-A. GRCh37 (hg19) VCF-style: chr6-144508225-G-A.
Other names: short protein forms R154H.
Identifiers: ClinVar variation 1366176 (VCV001366176.5), dbSNP rs1802067725, ClinGen allele CA365949287.
Genomic context (GRCh38, chr6:144,187,088, plus strand): 5'-CGCTCACCCTCACCTTCCAGCGCGCCATGCACGACTACAACCAGGCCGAGATGAAGCAGC[G>A]CGACAACTGCAAGATCCGCATCCAGCGCCAGCTGGAGATCATGGGCAAGGAAGTCTCGGG-3'
Protein context (NP_003755.2, residues 144-164): HDYNQAEMKQ[Arg154His]DNCKIRIQRQ